The following is an entry in ClinVar:

ClinVar aggregate classification (germline): Conflicting classifications of pathogenicity. Review status: criteria provided, conflicting classifications (1 of 4 stars). 3 submissions from 3 submitters: Uncertain significance (1); Likely benign (2). Last evaluated 2023-10-09.

Allele frequency attached by ClinVar (database versions not stated): gnomAD 0.00001; gnomAD exomes 0.00001 and 0.00005; TOPMed 0.00001; ExAC 0.00005; 1000 Genomes Project 30x 0.00021; 1000 Genomes Project 0.00026.
gnomAD v4.1: 15 of 1,201,481 alleles (0.0012%); highest among the groups gnomAD compares: Middle Eastern, 0.024%; no homozygotes.

Submissions (3):

Blueprint Genetics
Classification: Likely benign. Last evaluated: 2023-10-09. Review status: criteria provided, single submitter. Criteria: ACMG Guidelines, 2015. Collection method: clinical testing. Allele origin: germline.

Labcorp Genetics (formerly Invitae), Labcorp
Classification: Uncertain significance. Last evaluated: 2023-05-07. Review status: criteria provided, single submitter. Criteria: Invitae Variant Classification Sherloc (09022015). Collection method: clinical testing. Allele origin: germline.
Comment: ClinVar contains an entry for this variant (Variation ID: 1176934). In summary, the available evidence is currently insufficient to determine the role of this variant in disease. Therefore, it has been classified as a Variant of Uncertain Significance. Algorithms developed to predict the effect of sequence changes on RNA splicing suggest that this variant is not likely to affect RNA splicing. This variant has not been reported in the literature in individuals affected with CACNA1F-related conditions. This variant is present in population databases (rs782598962, gnomAD 0.04%), and has an allele count higher than expected for a pathogenic variant. This sequence change affects codon 1755 of the CACNA1F mRNA. It is a 'silent' change, meaning that it does not change the encoded amino acid sequence of the CACNA1F protein. It affects a nucleotide within the consensus splice site.

CeGaT Center for Human Genetics Tuebingen
Classification: Likely benign. Last evaluated: 2021-06-01. Review status: criteria provided, single submitter. Criteria: CeGaT Center For Human Genetics Tuebingen Variant Classification Criteria Version 2. Collection method: clinical testing. Allele origin: germline. Affected: yes. Observed: 1 variant allele.

NM_001256789.3(CACNA1F):c.5232G>A (p.Arg1744=)

Gene: CACNA1F (calcium voltage-gated channel subunit alpha1 F; minus strand). Cytogenetic location: Xp11.23.
Variant type: single nucleotide variant.
Coding change: c.5232G>A on transcript NM_001256789.3 (MANE Select); coding-DNA position 5232, G replaced by A.
Protein change: p.Arg1744=; no amino-acid change (arginine 1744 retained).
Molecular consequence: synonymous variant.
Genome position (GRCh38, 1-based): chrX:49,206,855, C>T on the plus strand (G>A on the coding strand, the complement: CACNA1F is on the minus strand). VCF-style: chrX-49206855-C-T. GRCh37 (hg19) VCF-style: chrX-49063316-C-T.
Other names: c.5070G>A, p.Arg1690= (NM_001256790.3); c.5265G>A, p.Arg1755= (NM_005183.4).
Identifiers: ClinVar variation 1176934 (VCV001176934.41), dbSNP rs782598962, ClinGen allele CA10410018.